The following is an entry in ClinVar:

ClinVar aggregate classification (germline): Pathogenic/Likely pathogenic. Review status: criteria provided, multiple submitters, no conflicts (2 of 4 stars). 19 submissions from 18 submitters: Pathogenic (14); Likely pathogenic (2). 3 of the submissions do not count toward it. Last evaluated 2026-04-16.

Conditions:
Structural eye disease.
Familial ectopia lentis. Identifiers: MedGen C2746069.
Acromicric dysplasia (ACMICD). Also called: Acromicric skeletal dysplasia. Identifiers: Orphanet 969, MedGen C0265287, MONDO:0007055, OMIM 102370.
Marfan syndrome (MFS). Also called: FBN1-Related Marfan Syndrome; Marfan syndrome type 1; Marfan's syndrome; Marfan syndrome, classic; MARFAN SYNDROME, TYPE I. Identifiers: Orphanet 284963, Orphanet 558, MedGen C0024796, MONDO:0007947, OMIM 154700.
Progeroid and marfanoid aspect-lipodystrophy syndrome. Also called: MARFANOID-PROGEROID-LIPODYSTROPHY SYNDROME; MARFANOID-PROGEROID SYNDROME; MARFAN-PROGEROID-LIPODYSTROPHY SYNDROME; Marfan lipodystrophy syndrome. Identifiers: Orphanet 300382, MedGen C4310796, MONDO:0014831, OMIM 616914.
Stiff skin syndrome (SSKS). Identifiers: Orphanet 2833, MedGen C1861456, MONDO:0008492, OMIM 184900.
Geleophysic dysplasia 2 (GPHYSD2). Identifiers: Orphanet 2623, MedGen C3280054, MONDO:0013612, OMIM 614185.
Weill-Marchesani syndrome 2, dominant. Also called: Weill-Marchesani Syndrome, Autosomal Dominant; FBN1-Related Weill-Marchesani Syndrome. Identifiers: Orphanet 2084, MedGen C1869115, MONDO:0012013, OMIM 608328.
MASS syndrome (OCTD). Also called: OVERLAP CONNECTIVE TISSUE DISEASE; MASS PHENOTYPE. Identifiers: MedGen C1858556, MONDO:0011431, OMIM 604308.
Ectopia lentis 1, isolated, autosomal dominant (ECTOL1). Identifiers: Orphanet 1885, MedGen C3541518, MONDO:0007514, OMIM 129600.
Familial thoracic aortic aneurysm and aortic dissection (TAAD). Also called: Thoracic aortic aneurysms and dissections. Identifiers: Orphanet 91387, MedGen C4707243, MONDO:0019625.
FBN1-related disorder. Also called: FBN1-related disorders.

Allele frequency attached by ClinVar (database versions not stated): gnomAD exomes below 0.00001.
gnomAD v4.1: 3 of 1,614,216 alleles (0.00019%); highest among the groups gnomAD compares: Non-Finnish European, 0.00025%; no homozygotes.

Submissions 1 to 7 of 19:

Genetics Laboratory, Great Ormond Street Hospital NHS Foundation Trust, North Thames Genomic Laboratory Hub
Classification: Likely pathogenic for Structural eye disease. Last evaluated: 2026-04-16. Review status: criteria provided, single submitter. Criteria: ACGS Best Practice Guidelines for Variant Classification in Rare Disease 2024 v1.2. Collection method: clinical testing. Allele origin: germline. Affected: yes.
Comment: PS4_moderate, PM2_moderate, PP3_supporting, PM1_moderate

PreventionGenetics, part of Exact Sciences
Classification: Pathogenic for FBN1-related condition. Last evaluated: 2025-10-09. Review status: criteria provided, single submitter. Criteria: ACMG Guidelines, 2015. Collection method: clinical testing. Allele origin: germline.
Comment: The FBN1 c.718C>T variant is predicted to result in the amino acid substitution p.Arg240Cys. This variant has been reported in individuals with congenital ectopic lentis (Biggin et al. 2004. PubMed ID: 14695540; Aragon-Martin et al. 2010. PubMed ID: 20564469) and Marfan syndrome (Loeys et al. 2001. PubMed ID: 11700157; Faivre et al. 2007. PubMed ID: 19353630). The variant has been noted to segregate with disorder in families (Adès et al. 2004. PubMed ID: 15054843; Gong et al. 2019. PubMed ID: 30838813) showing reduced penetrance and variable expressivity (Adès et al. 2004. PubMed ID: 15054843; Faivre et al. 2007. PubMed ID: 19353630). Structural analysis suggests the variant significantly increases protein hydrophobicity (Liu et al. 2023. PubMed ID: 36670079). FBN1 variants that add or remove cysteine amino acids have been classified as pathogenic (Deitz. 1993. PubMed ID: 20301510; Drackley et al. 2024. PubMed ID: 39741318). This variant has not been reported in a large population database (gnomAD), indicating this variant is rare. This variant is consistently classified as likely pathogenic or pathogenic in ClinVar (Variation ID: 16461). This variant is interpreted as pathogenic.

Labcorp Genetics (formerly Invitae), Labcorp
Classification: Pathogenic for Marfan syndrome; Familial thoracic aortic aneurysm and aortic dissection. Last evaluated: 2025-09-06. Review status: criteria provided, single submitter. Criteria: Invitae Variant Classification Sherloc (09022015). Collection method: clinical testing. Allele origin: germline.
Comment: This sequence change replaces arginine, which is basic and polar, with cysteine, which is neutral and slightly polar, at codon 240 of the FBN1 protein (p.Arg240Cys). This variant is not present in population databases (gnomAD no frequency). This missense change has been observed in individuals with ectopia lentis and/or Marfan syndrome (PMID: 11700157, 11826022, 15054843, 17657824, 18079676, 19293843, 20564469). It has also been observed to segregate with disease in related individuals. ClinVar contains an entry for this variant (Variation ID: 16461). Invitae Evidence Modeling of protein sequence and biophysical properties (such as structural, functional, and spatial information, amino acid conservation, physicochemical variation, residue mobility, and thermodynamic stability) has been performed for this missense variant. However, the output from this modeling did not meet the statistical confidence thresholds required to predict the impact of this variant on FBN1 protein function. For these reasons, this variant has been classified as Pathogenic.

Ambry Genetics
Classification: Pathogenic for Familial thoracic aortic aneurysm and aortic dissection. Last evaluated: 2025-03-03. Review status: criteria provided, single submitter. Criteria: Ambry Variant Classification Scheme 2023. Collection method: clinical testing. Allele origin: germline.
Comment: The p.R240C pathogenic mutation (also known as c.718C>T), located in coding exon 6 of the FBN1 gene, results from a C to T substitution at nucleotide position 718. The arginine at codon 240 is replaced by cysteine, an amino acid with highly dissimilar properties, and is located in the hybrid module #01 domain. This alteration has been reported in association with classic Marfan syndrome (Loeys B et al. Arch Intern Med. 2001;161(20):2447-54; Stheneur C et al. Eur J Hum Genet. 2009;17(9):1121-8; Stark VC. Genes (Basel). 2020 07;11(7)), and has been detected in multiple individuals with isolated ectopia lentis (K&ouml;rkk&ouml; J et al. J Med Genet. 2002;39(1):34-41; Comeglio P et al. Br J Ophthalmol. 2002;86(12):1359-62; Biggin A et al. Hum Mutat. 2004;23(1):99; Aragon-Martin JA et al. Hum Mutat. 2010;31(8):E1622-31). In addition, this alteration has been reported to segregate with disease in multiple affected individuals with isolated ectopia lentis in one family (Edwards MJ. Am J Med Gen. 1994;53(1):65-71; Ad&egrave;s LC et al. Am J Med Genet A. 2004;126A(3):284-9). This variant is considered to be rare based on population cohorts in the Genome Aggregation Database (gnomAD). In addition, this alteration is predicted to be deleterious by in silico analysis. Based on the supporting evidence, this alteration is interpreted as a disease-causing mutation.

Blueprint Genetics
Classification: Pathogenic for FBN1-related disorders. Last evaluated: 2023-09-06. Review status: criteria provided, single submitter. Criteria: ACMG Guidelines, 2015. Collection method: clinical testing. Allele origin: germline. Affected: yes. Observed: 5 variant alleles.

3billion
Classification: Pathogenic for Marfan syndrome. Last evaluated: 2023-09-05. Review status: criteria provided, single submitter. Criteria: ACMG Guidelines, 2015. Collection method: clinical testing. Allele origin: germline. Affected: yes.
Comment: The variant is not observed in the gnomAD v2.1.1 dataset. Predicted Consequence/Location: Missense variant In silico tool predictions suggest damaging effect of the variant on gene or gene product [REVEL: 0.83 (>=0.6, sensitivity 0.68 and specificity 0.92); 3Cnet: 0.95 (>=0.6, sensitivity 0.72 and precision 0.9)]. The same nucleotide change resulting in the same amino acid change has been previously reported as pathogenic/likely pathogenic with strong evidence (ClinVar ID: VCV000016461 /PMID: 9399842).The variant has been previously reported as assumed (i.e. paternity and maternity not confirmed) de novo in at least one similarly affected unrelated individual (3billion dataset).The variant has been reported to co-segregate with the disease in at least 7 similarly affected relatives/individuals in at least two unrelated families (PMID: 15054843, 18079676).A different missense change at the same codon (p.Arg240His) has been reported to be associated with FBN1-related disorder (PMID: 19059503). Therefore, this variant is classified as Pathogenic according to the recommendation of ACMG/AMP guideline.

GeneDx
Classification: Pathogenic. Last evaluated: 2023-06-09. Review status: criteria provided, single submitter. Criteria: GeneDx Variant Classification Process June 2021. Collection method: clinical testing. Allele origin: germline. Affected: yes.
Comment: Not observed at significant frequency in large population cohorts (gnomAD); In silico analysis supports that this missense variant has a deleterious effect on protein structure/function; Introduces a cysteine residue within a TGF-binding protein domain (aka TB domain or 8-Cysteine domain) and is expected to disrupt disulfide bonding within this domain; other missense substitutions that affect cysteine residues within this TGF-binding protein domain have been reported in association with various FBN1-related phenotypes, including Marfan syndrome (HGMD); This variant is associated with the following publications: (PMID: 34818515, 20564469, 9399842, 15054843, 12446365, 11826022, 14695540, 19293843, 17627385, 17679947, 17657824, 30838813, 30675029, 32679894, 33087929, 31950671, 29357934, 17701892, 11700157, 18079676)

NM_000138.5(FBN1):c.718C>T (p.Arg240Cys)

Gene: FBN1 (fibrillin 1; minus strand). Cytogenetic location: 15q21.1.
Variant type: single nucleotide variant.
Coding change: c.718C>T on transcript NM_000138.5 (MANE Select); coding-DNA position 718, C replaced by T.
Protein change: p.Arg240Cys; replaces arginine 240 with cysteine.
Molecular consequence: missense variant.
Genome position (GRCh38, 1-based): chr15:48,537,629, G>A on the plus strand (C>T on the coding strand, the complement: FBN1 is on the minus strand). VCF-style: chr15-48537629-G-A. GRCh37 (hg19) VCF-style: chr15-48829826-G-A.
Other names: p.R240C:CGC>TGC; short protein forms R240C.
Identifiers: ClinVar variation 16461 (VCV000016461.30), dbSNP rs137854480, ClinGen allele CA017067.